The following is an entry in ClinVar:

ClinVar aggregate classification (germline): Uncertain significance (1 of 4 stars; one submission).

Conditions:
BPNT2-related disorder. Also called: BPNT2-related condition.

gnomAD v4.1: 57 of 1,613,926 alleles (0.0035%); highest among the groups gnomAD compares: Non-Finnish European, 0.0043%; no homozygotes.

Submission:

PreventionGenetics, part of Exact Sciences
Classification: Uncertain significance for BPNT2-related condition. Last evaluated: 2024-12-30. Review status: criteria provided, single submitter. Criteria: ACMG Guidelines, 2015. Collection method: clinical testing. Allele origin: germline.
Comment: The BPNT2 c.698A>G variant is predicted to result in the amino acid substitution p.Asn233Ser. To our knowledge, this variant has not been reported in the literature. This variant is reported in 0.0023% of alleles in individuals of European (Non-Finnish) descent in gnomAD. At this time, the clinical significance of this variant is uncertain due to the absence of conclusive functional and genetic evidence.

NM_017813.5(BPNT2):c.698A>G (p.Asn233Ser)

Gene: BPNT2 (3'(2'), 5'-bisphosphate nucleotidase 2; minus strand). Cytogenetic location: 8q12.1.
Variant type: single nucleotide variant.
Coding change: c.698A>G on transcript NM_017813.5 (MANE Select); coding-DNA position 698, A replaced by G.
Protein change: p.Asn233Ser; replaces asparagine 233 with serine.
Molecular consequence: missense variant.
Genome position (GRCh38, 1-based): chr8:56,966,301, T>C on the plus strand (A>G on the coding strand, the complement: BPNT2 is on the minus strand). VCF-style: chr8-56966301-T-C. GRCh37 (hg19) VCF-style: chr8-57878860-T-C.
Other names: short protein forms N233S.
Identifiers: ClinVar variation 4977335 (VCV004977335.1).